The following is an entry in ClinVar:

NM_001349253.2(SCN11A):c.4060A>T (p.Lys1354Ter)

Gene: SCN11A (sodium voltage-gated channel alpha subunit 11; minus strand). Cytogenetic location: 3p22.2.
Variant type: single nucleotide variant.
Coding change: c.4060A>T on transcript NM_001349253.2 (MANE Select); coding-DNA position 4060, A replaced by T.
Protein change: p.Lys1354Ter; replaces lysine 1354 with a stop codon.
Molecular consequence: nonsense.
Genome position (GRCh38, 1-based): chr3:38,850,748, T>A on the plus strand (A>T on the coding strand, the complement: SCN11A is on the minus strand). VCF-style: chr3-38850748-T-A. GRCh37 (hg19) VCF-style: chr3-38892239-T-A.
Other names: c.4060A>T, p.Lys1354Ter (NM_014139.3); short protein forms K1354*.
Identifiers: ClinVar variation 2953502 (VCV002953502.19), dbSNP rs1575205600, ClinGen allele CA352166105.

ClinVar aggregate classification (germline): Uncertain significance. Review status: criteria provided, multiple submitters, no conflicts (2 of 4 stars). 2 submissions from 2 submitters: Uncertain significance (2). Last evaluated 2025-09-04.

Conditions:
Hereditary sensory and autonomic neuropathy type 7. Also called: Neuropathy, hereditary sensory and autonomic, type VII; HSAN VII. Identifiers: Orphanet 391397, MedGen C3809882, MONDO:0014244, OMIM 615548.
Familial episodic pain syndrome with predominantly lower limb involvement. Also called: Episodic pain syndrome, familial, 3. Identifiers: Orphanet 391384, Orphanet 391392, MedGen C3809899, MONDO:0014247, OMIM 615552.

Allele frequency attached by ClinVar (database versions not stated): gnomAD exomes 0.00001.
gnomAD v4.1: 20 of 1,572,294 alleles (0.0013%); highest among the groups gnomAD compares: Non-Finnish European, 0.0015%; no homozygotes.

Submissions (2):

Labcorp Genetics (formerly Invitae), Labcorp
Classification: Uncertain significance for Familial episodic pain syndrome with predominantly lower limb involvement; Hereditary sensory and autonomic neuropathy type 7. Last evaluated: 2025-09-04. Review status: criteria provided, single submitter. Criteria: Invitae Variant Classification Sherloc (09022015). Collection method: clinical testing. Allele origin: germline.
Comment: This sequence change creates a premature translational stop signal (p.Lys1354*) in the SCN11A gene. It is expected to result in an absent or disrupted protein product. However, the current clinical and genetic evidence is not sufficient to establish whether loss-of-function variants in SCN11A cause disease. This variant is not present in population databases (gnomAD no frequency). This variant has not been reported in the literature in individuals affected with SCN11A-related conditions. ClinVar contains an entry for this variant (Variation ID: 2953502). In summary, the available evidence is currently insufficient to determine the role of this variant in disease. Therefore, it has been classified as a Variant of Uncertain Significance.

CeGaT Center for Human Genetics Tuebingen
Classification: Uncertain significance. Last evaluated: 2024-08-01. Review status: criteria provided, single submitter. Criteria: CeGaT Center For Human Genetics Tuebingen Variant Classification Criteria Version 2. Collection method: clinical testing. Allele origin: germline. Affected: yes. Observed: 1 variant allele.
Comment: SCN11A: PM2